The following is an entry in ClinVar:

NM_032217.5(ANKRD17):c.7430del (p.Pro2477fs)

Gene: ANKRD17 (ankyrin repeat domain 17; minus strand). Cytogenetic location: 4q13.3.
Variant type: Deletion.
Coding change: c.7430del on transcript NM_032217.5 (MANE Select); coding-DNA position 7430, one base deleted (C; older notation c.7430delC).
Protein change: p.Pro2477fs; shifts the reading frame from proline 2477.
Molecular consequence: frameshift variant.
Genome position (GRCh38, 1-based): chr4:73,077,512, G deleted on the plus strand (C on the coding strand, the reverse complement: ANKRD17 is on the minus strand); the first of 3 consecutive G bases (chr4:73,077,512-73,077,514); deleting any one gives the same sequence. VCF-style (leftmost placement, unchanged base first): chr4-73077511-AG-A. GRCh37 (hg19) VCF-style: chr4-73943228-AG-A.
Other names: c.7091del, p.Pro2364fs (NM_001286771.3); c.7427del, p.Pro2476fs (NM_015574.2); c.6677del, p.Pro2226fs (NM_198889.3); short protein forms P2226fs, P2364fs, P2476fs, P2477fs.
Identifiers: ClinVar variation 3600515 (VCV003600515.1).

ClinVar aggregate classification (germline): Likely pathogenic (1 of 4 stars; one submission).

Conditions:
Chopra-Amiel-Gordon syndrome (CAGS). Also called: ANKRD17-Related Neurodevelopmental Syndrome. Identifiers: MedGen C5561975, MONDO:0859186, OMIM 619504.

Submission:

Clinical Genomics Laboratory, Washington University in St. Louis
Classification: Likely pathogenic for Chopra-Amiel-Gordon syndrome. Last evaluated: 2024-10-07. Review status: criteria provided, single submitter. Criteria: ACMG Guidelines, 2015. Collection method: clinical testing. Allele origin: germline. Affected: yes.
Comment: The ANKRD17 c.7430del (p.Pro2477Leufs*7) variant, to our knowledge, has not been reported in the medical literature. This variant is absent from the general population (gnomAD v.2.1.1), indicating it is not a common variant. This variant causes a frameshift by deleting one nucleotide, leading to a premature termination codon, which is predicted to lead to nonsense mediated decay. Variants introducing a premature termination codon in this region have been described in affected individuals and are considered pathogenic (ClinVar ID: 3254702; Chopra M et al., PMID: 33909992). Based on available information and the ACMG/AMP guidelines for variant interpretation (Richards S et al., PMID: 25741868), this variant is classified as likely pathogenic.